The following is an entry in ClinVar:

ClinVar aggregate classification (germline): Uncertain significance. Review status: criteria provided, multiple submitters, no conflicts (2 of 4 stars). 2 submissions from 2 submitters: Uncertain significance (2). Last evaluated 2026-02-01.

Conditions:
Candidiasis, familial, 9 (CANDF9). Identifiers: Orphanet 1334, MedGen C4225324, MONDO:0014642, OMIM 616445.

Allele frequency attached by ClinVar (database versions not stated): gnomAD exomes 0.00002; ExAC 0.00003; gnomAD 0.00005; TOPMed 0.00005; 1000 Genomes Project 30x 0.00016; 1000 Genomes Project 0.00020.
gnomAD v4.1: 42 of 1,604,182 alleles (0.0026%); highest among the groups gnomAD compares: Admixed American, 0.0051%; no homozygotes.

Submissions (2):

Labcorp Genetics (formerly Invitae), Labcorp
Classification: Uncertain significance for Candidiasis, familial, 9. Last evaluated: 2026-02-01. Review status: criteria provided, single submitter. Criteria: Invitae Variant Classification Sherloc (09022015). Collection method: clinical testing. Allele origin: germline.
Comment: This sequence change replaces arginine, which is basic and polar, with glutamine, which is neutral and polar, at codon 376 of the IL17RC protein (p.Arg376Gln). This variant is present in population databases (rs201197838, gnomAD 0.01%). This variant has not been reported in the literature in individuals affected with IL17RC-related conditions. ClinVar contains an entry for this variant (Variation ID: 1371542). An algorithm developed to predict the effect of missense changes on protein structure and function outputs the following: PolyPhen-2: "Benign". The glutamine amino acid residue is found in multiple mammalian species, which suggests that this missense change does not adversely affect protein function. In summary, the available evidence is currently insufficient to determine the role of this variant in disease. Therefore, it has been classified as a Variant of Uncertain Significance.

Ambry Genetics
Classification: Uncertain significance. Last evaluated: 2025-01-24. Review status: criteria provided, single submitter. Criteria: Ambry Variant Classification Scheme 2023. Collection method: clinical testing. Allele origin: germline.

NM_153460.4(IL17RC):c.914G>A (p.Arg305Gln)

Gene: IL17RC (interleukin 17 receptor C; plus strand). Cytogenetic location: 3p25.3.
Variant type: single nucleotide variant.
Coding change: c.914G>A on transcript NM_153460.4 (MANE Select); coding-DNA position 914, G replaced by A.
Protein change: p.Arg305Gln; replaces arginine 305 with glutamine.
Molecular consequence: missense variant. On other transcripts: non-coding transcript variant (1).
Genome position (GRCh38, 1-based): chr3:9,928,341, G>A. VCF-style: chr3-9928341-G-A. GRCh37 (hg19) VCF-style: chr3-9970025-G-A.
Other names: c.1127G>A (NM_153461.3); c.914G>A, p.Arg305Gln (NM_001203263.2, NM_001203264.2); c.869G>A, p.Arg290Gln (NM_001203265.2, NM_001367280.1, NM_032732.6); c.875G>A, p.Arg292Gln (NM_001367278.1); c.794G>A, p.Arg265Gln (NM_001367279.1); c.1127G>A, p.Arg376Gln (NM_153461.4); short protein forms R265Q, R305Q, R292Q, R376Q, R290Q.
Identifiers: ClinVar variation 1371542 (VCV001371542.8), dbSNP rs201197838, ClinGen allele CA2247070.
Genomic context (GRCh38, chr3:9,928,341, plus strand): 5'-GGTGACTGTGCCCTTTCCTTGCAGACCCCCGCGCACACCAGAACCTCTGGCAAGCCGCCC[G>A]ACTGCAACTGCTGACCCTGCAGAGCTGGCTGCTGGACGCACCGTGCTCGCTGCCCGCAGA-3'
Protein context (NP_703190.2, residues 295-315): RAHQNLWQAA[Arg305Gln]LQLLTLQSWL